The following is an entry in ClinVar:

ClinVar aggregate classification (germline): Conflicting classifications of pathogenicity. Review status: criteria provided, conflicting classifications (1 of 4 stars). 2 submissions from 2 submitters: Uncertain significance (1); Likely benign (1). Last evaluated 2025-07-21.

Conditions:
Inborn genetic diseases. Identifiers: MedGen C0950123, MeSH D030342.

Allele frequency attached by ClinVar (database versions not stated): gnomAD exomes 0.00002; ExAC 0.00007; gnomAD 0.00018; TOPMed 0.00022; 1000 Genomes Project 30x 0.00031; ESP Exome Variant Server 0.00038; 1000 Genomes Project 0.00040.
gnomAD v4.1: 80 of 1,614,220 alleles (0.005%); highest among the groups gnomAD compares: African/African-American, 0.065%; 1 homozygote.

Submissions (2):

Labcorp Genetics (formerly Invitae), Labcorp
Classification: Uncertain significance. Last evaluated: 2025-07-21. Review status: criteria provided, single submitter. Criteria: Invitae Variant Classification Sherloc (09022015). Collection method: clinical testing. Allele origin: germline.
Comment: This sequence change replaces glutamic acid, which is acidic and polar, with aspartic acid, which is acidic and polar, at codon 3152 of the MACF1 protein (p.Glu3152Asp). This variant is present in population databases (rs141023728, gnomAD 0.05%), and has an allele count higher than expected for a pathogenic variant. This variant has not been reported in the literature in individuals affected with MACF1-related conditions. ClinVar contains an entry for this variant (Variation ID: 2064193). An algorithm developed to predict the effect of missense changes on protein structure and function (PolyPhen-2) suggests that this variant is likely to be disruptive. In summary, the available evidence is currently insufficient to determine the role of this variant in disease. Therefore, it has been classified as a Variant of Uncertain Significance.

Ambry Genetics
Classification: Likely benign for Inborn genetic diseases. Last evaluated: 2024-09-02. Review status: criteria provided, single submitter. Criteria: Ambry Variant Classification Scheme 2023. Collection method: clinical testing. Allele origin: germline.

NM_001394062.1(MACF1):c.15642G>C (p.Glu5214Asp)

Gene: MACF1 (microtubule actin crosslinking factor 1; plus strand). Cytogenetic location: 1p34.3.
Variant type: single nucleotide variant.
Coding change: c.15642G>C on transcript NM_001394062.1 (MANE Select); coding-DNA position 15642, G replaced by C.
Protein change: p.Glu5214Asp; replaces glutamic acid 5214 with aspartic acid.
Molecular consequence: missense variant.
Genome position (GRCh38, 1-based): chr1:39,388,484, G>C. VCF-style: chr1-39388484-G-C. GRCh37 (hg19) VCF-style: chr1-39854156-G-C.
Other names: c.9456G>C (NM_012090.4); c.9456G>C, p.Glu3152Asp (NM_012090.5); short protein forms E3152D, E5214D.
Identifiers: ClinVar variation 2064193 (VCV002064193.4), dbSNP rs141023728, ClinGen allele CA782425.